The following is an entry in ClinVar:

ClinVar aggregate classification (germline): Uncertain significance (1 of 4 stars; one submission).

Allele frequency attached by ClinVar (database versions not stated): TOPMed 0.00002; gnomAD exomes 0.00001; ExAC 0.00001; gnomAD 0.00001.
gnomAD v4.1: 15 of 1,614,080 alleles (0.00093%); highest among the groups gnomAD compares: Admixed American, 0.02%; no homozygotes.

Submission:

Labcorp Genetics (formerly Invitae), Labcorp
Classification: Uncertain significance. Last evaluated: 2025-10-18. Review status: criteria provided, single submitter. Criteria: Invitae Variant Classification Sherloc (09022015). Collection method: clinical testing. Allele origin: germline.
Comment: This sequence change replaces alanine, which is neutral and non-polar, with valine, which is neutral and non-polar, at codon 876 of the CSF2RB protein (p.Ala876Val). This variant is present in population databases (rs776485688, gnomAD 0.03%). This variant has not been reported in the literature in individuals affected with CSF2RB-related conditions. ClinVar contains an entry for this variant (Variation ID: 2891183). An algorithm developed to predict the effect of missense changes on protein structure and function outputs the following: PolyPhen-2: "Benign". The valine amino acid residue is found in multiple mammalian species, which suggests that this missense change does not adversely affect protein function. In summary, the available evidence is currently insufficient to determine the role of this variant in disease. Therefore, it has been classified as a Variant of Uncertain Significance.

NM_000395.3(CSF2RB):c.2627C>T (p.Ala876Val)

Gene: CSF2RB (colony stimulating factor 2 receptor subunit beta; plus strand). Cytogenetic location: 22q12.3.
Variant type: single nucleotide variant.
Coding change: c.2627C>T on transcript NM_000395.3 (MANE Select); coding-DNA position 2627, C replaced by T.
Protein change: p.Ala876Val; replaces alanine 876 with valine.
Molecular consequence: missense variant.
Genome position (GRCh38, 1-based): chr22:36,938,435, C>T. VCF-style: chr22-36938435-C-T. GRCh37 (hg19) VCF-style: chr22-37334477-C-T.
Other names: c.2645C>T, p.Ala882Val (NM_001410827.1); short protein forms A876V, A882V.
Identifiers: ClinVar variation 2891183 (VCV002891183.3), dbSNP rs776485688, ClinGen allele CA10214165.